The following is an entry in ClinVar:

NM_001167.4(XIAP):c.1087dup (p.Thr363fs)

Gene: XIAP (X-linked inhibitor of apoptosis; plus strand). Cytogenetic location: Xq25.
Variant type: Duplication.
Coding change: c.1087dup on transcript NM_001167.4 (MANE Select); coding-DNA position 1087, one base duplicated (A; older notation c.1087dupA).
Protein change: p.Thr363fs; shifts the reading frame from threonine 363.
Molecular consequence: frameshift variant. On other transcripts: non-coding transcript variant (2).
Genome position (GRCh38, 1-based): chrX:123,892,761, A duplicated; the last of 2 consecutive A bases (chrX:123,892,760-123,892,761); duplicating either gives the same sequence. VCF-style (leftmost placement, unchanged base first): chrX-123892759-T-TA. GRCh37 (hg19) VCF-style: chrX-123026609-T-TA.
Other names: c.1087dup, p.Thr363fs (NM_001204401.2, NM_001378590.1, NM_001378591.1 and 1 more transcripts); short protein forms T363fs.
Identifiers: ClinVar variation 3728717 (VCV003728717.2).

ClinVar aggregate classification (germline): Pathogenic (1 of 4 stars; one submission).

Conditions:
X-linked lymphoproliferative disease due to XIAP deficiency. Also called: XIAP-Related Lymphoproliferative Disease, X-Linked; XIAP DEFICIENCY. Identifiers: Orphanet 2442, Orphanet 538934, MedGen C1845076, MONDO:0010385, OMIM 300635.

Submission:

Labcorp Genetics (formerly Invitae), Labcorp
Classification: Pathogenic for X-linked lymphoproliferative disease due to XIAP deficiency. Last evaluated: 2025-04-08. Review status: criteria provided, single submitter. Criteria: Invitae Variant Classification Sherloc (09022015). Collection method: clinical testing. Allele origin: germline.
Comment: This sequence change creates a premature translational stop signal (p.Thr363Asnfs*2) in the XIAP gene. It is expected to result in an absent or disrupted protein product. Loss-of-function variants in XIAP are known to be pathogenic (PMID: 17080092, 21119115, 25666262). This variant is not present in population databases (gnomAD no frequency). This variant has not been reported in the literature in individuals affected with XIAP-related conditions. ClinVar contains an entry for this variant (Variation ID: 3728717). For these reasons, this variant has been classified as Pathogenic.

Literature cited by the submitters: PubMed 17080092; PubMed 21119115; PubMed 25666262.